The following is an entry in ClinVar:

ClinVar aggregate classification (germline): Likely benign (1 of 4 stars; one submission).

gnomAD v4.1: 4 of 1,606,254 alleles (0.00025%); highest among the groups gnomAD compares: East Asian, 0.0022%; no homozygotes.

Submission:

CeGaT Center for Human Genetics Tuebingen
Classification: Likely benign. Last evaluated: 2025-09-01. Review status: criteria provided, single submitter. Criteria: CeGaT Center For Human Genetics Tuebingen Variant Classification Criteria Version 2. Collection method: clinical testing. Allele origin: germline. Affected: yes. Observed: 1 variant allele.
Comment: SVIL: BP4, BP7

NM_021738.3(SVIL):c.2325C>T (p.Ser775=)

Gene: SVIL (supervillin; minus strand). Cytogenetic location: 10p11.23.
Variant type: single nucleotide variant.
Coding change: c.2325C>T on transcript NM_021738.3 (MANE Select); coding-DNA position 2325, C replaced by T.
Protein change: p.Ser775=; no amino-acid change (serine 775 retained).
Molecular consequence: synonymous variant. On other transcripts: intron variant (1).
Genome position (GRCh38, 1-based): chr10:29,526,978, G>A on the plus strand (C>T on the coding strand, the complement: SVIL is on the minus strand). VCF-style: chr10-29526978-G-A. GRCh37 (hg19) VCF-style: chr10-29815907-G-A.
Other names: c.1395C>T, p.Ser465= (NM_001323599.2); c.1143C>T, p.Ser381= (NM_001323600.1); c.1065-2263C>T (NM_003174.3).
Identifiers: ClinVar variation 4281261 (VCV004281261.7).